The following is an entry in ClinVar:

NM_005202.4(COL8A2):c.281dup (p.Gly95fs)

Gene: COL8A2 (collagen type VIII alpha 2 chain; minus strand). Cytogenetic location: 1p34.3.
Variant type: Duplication.
Coding change: c.281dup on transcript NM_005202.4 (MANE Select); coding-DNA position 281, one base duplicated (C; older notation c.281dupC).
Protein change: p.Gly95fs; shifts the reading frame from glycine 95.
Molecular consequence: frameshift variant.
Genome position (GRCh38, 1-based): chr1:36,099,400, G duplicated on the plus strand (C on the coding strand, the reverse complement: COL8A2 is on the minus strand); the first of 6 consecutive G bases (chr1:36,099,400-36,099,405); duplicating any one gives the same sequence. VCF-style (leftmost placement, unchanged base first): chr1-36099399-A-AG. GRCh37 (hg19) VCF-style: chr1-36565000-A-AG.
Other names: c.86dup, p.Gly30fs (NM_001294347.2); short protein forms G30fs, G95fs.
Identifiers: ClinVar variation 2632207 (VCV002632207.1), dbSNP rs1277273445, ClinGen allele CA1162576956.

ClinVar aggregate classification (germline): Uncertain significance (1 of 4 stars; one submission).

Conditions:
COL8A2-related disorder. Also called: COL8A2-related condition.

Submission:

PreventionGenetics, part of Exact Sciences
Classification: Uncertain significance for COL8A2-related condition. Last evaluated: 2023-06-26. Review status: criteria provided, single submitter. Criteria: ACMG Guidelines, 2015. Collection method: clinical testing. Allele origin: germline.
Comment: The COL8A2 c.281dupC variant is predicted to result in a frameshift and premature protein termination (p.Gly95Trpfs*107). To our knowledge, this variant has not been reported in the literature or in a large population database, indicating this variant is rare. At this time, the clinical significance of this variant is uncertain due to the absence of conclusive functional and genetic evidence.